The following is an entry in ClinVar:

ClinVar aggregate classification (germline): Conflicting classifications of pathogenicity. Review status: criteria provided, conflicting classifications (1 of 4 stars). 7 submissions from 6 submitters: Uncertain significance (5); Likely benign (1). 1 of the submissions does not count toward it. Last evaluated 2025-08-22.

Conditions:
Progeroid and marfanoid aspect-lipodystrophy syndrome. Also called: MARFANOID-PROGEROID SYNDROME; MARFAN-PROGEROID-LIPODYSTROPHY SYNDROME; Marfan lipodystrophy syndrome; MARFANOID-PROGEROID-LIPODYSTROPHY SYNDROME. Identifiers: Orphanet 300382, MedGen C4310796, MONDO:0014831, OMIM 616914.
Marfan syndrome (MFS). Also called: Marfan syndrome, classic; Marfan syndrome type 1; Marfan's syndrome; MARFAN SYNDROME, TYPE I; FBN1-Related Marfan Syndrome. Identifiers: Orphanet 284963, Orphanet 558, MedGen C0024796, MONDO:0007947, OMIM 154700.
Familial thoracic aortic aneurysm and aortic dissection (TAAD). Also called: Thoracic aortic aneurysms and dissections. Identifiers: Orphanet 91387, MedGen C4707243, MONDO:0019625.
Heart disease. Also called: Heart Diseases; Cardiac disease. Identifiers: MedGen C0018799, MONDO:0005267.

Allele frequency attached by ClinVar (database versions not stated): gnomAD 0.00002; gnomAD exomes below 0.00001 and 0.00002; TOPMed below 0.00001; ExAC 0.00002.
gnomAD v4.1: 7 of 1,613,948 alleles (0.00043%); highest among the groups gnomAD compares: African/African-American, 0.0027%; no homozygotes.

Submissions (7):

Color Diagnostics, LLC DBA Color Health
Classification: Uncertain significance for Familial thoracic aortic aneurysm and aortic dissection. Last evaluated: 2025-08-22. Review status: criteria provided, single submitter. Criteria: ACMG Guidelines, 2015. Collection method: clinical testing. Allele origin: germline.
Comment: This missense variant replaces arginine with glutamine at codon 1727 of the FBN1 protein. Computational prediction is inconclusive regarding the impact of this variant on protein structure and function. To our knowledge, functional studies have not been reported for this variant. This variant has not been reported in individuals affected with FBN1-related disorders in the literature. This variant has been identified in 5/282650 chromosomes in the general population by the Genome Aggregation Database (gnomAD). The available evidence is insufficient to determine the role of this variant in disease conclusively. Therefore, this variant is classified as a Variant of Uncertain Significance.

Labcorp Genetics (formerly Invitae), Labcorp
Classification: Likely benign for Marfan syndrome; Familial thoracic aortic aneurysm and aortic dissection. Last evaluated: 2024-04-25. Review status: criteria provided, single submitter. Criteria: Invitae Variant Classification Sherloc (09022015). Collection method: clinical testing. Allele origin: germline.

All of Us Research Program, National Institutes of Health
Classification: Uncertain significance for Marfan syndrome. Last evaluated: 2023-11-30. Review status: criteria provided, single submitter. Criteria: ACMG Guidelines, 2015. Collection method: clinical testing. Allele origin: germline. Inheritance: Autosomal dominant inheritance. Observed: 1 variant allele, 1 heterozygote.
Comment: This missense variant replaces arginine with glutamine at codon 1727 of the FBN1 protein. Computational prediction is inconclusive regarding the impact of this variant on protein structure and function (internally defined REVEL score threshold 0.5 < inconclusive < 0.7, PMID: 27666373). Splice site prediction tools suggest that this variant may not impact RNA splicing. To our knowledge, functional studies have not been performed for this variant. This variant has not been reported in individuals affected with cardiovascular disorders in the literature. This variant has been identified in 5/282650 chromosomes in the general population by the Genome Aggregation Database (gnomAD). The available evidence is insufficient to determine the role of this variant in disease conclusively. Therefore, this variant is classified as a Variant of Uncertain Significance.

This study involves interpretation of variants in research participants for the purpose of population health screening. Participant phenotype was not available at the time of variant classification. Additional details can be found in publication PMID: 35346344, PMCID: PMC8962531

Ambry Genetics
Classification: Uncertain significance for Familial thoracic aortic aneurysm and aortic dissection. Last evaluated: 2022-03-28. Review status: criteria provided, single submitter. Criteria: Ambry Variant Classification Scheme 2023. Collection method: clinical testing. Allele origin: germline.
Comment: The p.R1727Q variant (also known as c.5180G>A), located in coding exon 41 of the FBN1 gene, results from a G to A substitution at nucleotide position 5180. The arginine at codon 1727 is replaced by glutamine, an amino acid with highly similar properties. This amino acid position is well conserved in available vertebrate species. In addition, this alteration is predicted to be deleterious by in silico analysis. Since supporting evidence is limited at this time, the clinical significance of this alteration remains unclear.

Centre for Mendelian Genomics, University Medical Centre Ljubljana
Classification: Uncertain significance for Progeroid and marfanoid aspect-lipodystrophy syndrome. Last evaluated: 2016-01-01. Review status: criteria provided, single submitter. Criteria: ACMG Guidelines, 2015. Collection method: clinical testing. Allele origin: unknown. Affected: yes.
Comment: This variant was classified as: Uncertain significance.

Centre for Mendelian Genomics, University Medical Centre Ljubljana
Classification: Uncertain significance for Cardiac disease. Last evaluated: 2015-11-18. Review status: criteria provided, single submitter. Criteria: ACMG Guidelines, 2015. Collection method: clinical testing. Allele origin: unknown. Affected: yes.

Center for Medical Genetics Ghent, University of Ghent
Classification: Uncertain significance for Marfan syndrome. Last evaluated: 2017-11-07. Review status: no assertion criteria provided. Collection method: clinical testing. Allele origin: germline. Affected: yes. Not counted in ClinVar's aggregate classification.

NM_000138.5(FBN1):c.5180G>A (p.Arg1727Gln)

Gene: FBN1 (fibrillin 1; minus strand). Cytogenetic location: 15q21.1.
Variant type: single nucleotide variant.
Coding change: c.5180G>A on transcript NM_000138.5 (MANE Select); coding-DNA position 5180, G replaced by A.
Protein change: p.Arg1727Gln; replaces arginine 1727 with glutamine.
Molecular consequence: missense variant.
Genome position (GRCh38, 1-based): chr15:48,463,126, C>T on the plus strand (G>A on the coding strand, the complement: FBN1 is on the minus strand). VCF-style: chr15-48463126-C-T. GRCh37 (hg19) VCF-style: chr15-48755323-C-T.
Other names: short protein forms R1727Q.
Identifiers: ClinVar variation 374032 (VCV000374032.13), dbSNP rs780993677, ClinGen allele CA054387.